The following is an entry in ClinVar:

NM_001378454.1(ALMS1):c.7007T>G (p.Ile2336Ser)

Gene: ALMS1 (ALMS1 centrosome and basal body associated protein; plus strand). Cytogenetic location: 2p13.1.
Variant type: single nucleotide variant.
Coding change: c.7007T>G on transcript NM_001378454.1 (MANE Select); coding-DNA position 7007, T replaced by G.
Protein change: p.Ile2336Ser; replaces isoleucine 2336 with serine.
Molecular consequence: missense variant.
Genome position (GRCh38, 1-based): chr2:73,453,534, T>G. VCF-style: chr2-73453534-T-G. GRCh37 (hg19) VCF-style: chr2-73680661-T-G.
Other names: c.7010T>G, p.Ile2337Ser (NM_015120.4); short protein forms I2336S, I2337S.
Identifiers: ClinVar variation 1974440 (VCV001974440.6), dbSNP rs746208159, ClinGen allele CA1714163.

ClinVar aggregate classification (germline): Uncertain significance. Review status: criteria provided, multiple submitters, no conflicts (2 of 4 stars). 3 submissions from 3 submitters: Uncertain significance (3). Last evaluated 2025-06-05.

Conditions:
Cardiovascular phenotype. Identifiers: MedGen CN230736.
Alstrom syndrome (ALMS). Identifiers: Orphanet 64, MedGen C0268425, MONDO:0008763, OMIM 203800.

Allele frequency attached by ClinVar (database versions not stated): TOPMed below 0.00001; ExAC 0.00001; gnomAD exomes 0.00002.
gnomAD v4.1: 22 of 1,613,698 alleles (0.0014%); highest among the groups gnomAD compares: Non-Finnish European, 0.0019%; no homozygotes.

Submissions (3):

Ambry Genetics
Classification: Uncertain significance for Cardiovascular phenotype. Last evaluated: 2025-06-05. Review status: criteria provided, single submitter. Criteria: Ambry Variant Classification Scheme 2023. Collection method: clinical testing. Allele origin: germline.
Comment: The p.I2337S variant (also known as c.7010T>G), located in coding exon 8 of the ALMS1 gene, results from a T to G substitution at nucleotide position 7010. The isoleucine at codon 2337 is replaced by serine, an amino acid with dissimilar properties. This amino acid position is not well conserved in available vertebrate species. In addition, the in silico prediction for this alteration is inconclusive. Based on the available evidence, the clinical significance of this variant remains unclear.

Women's Health and Genetics/Laboratory Corporation of America, LabCorp
Classification: Uncertain significance. Last evaluated: 2024-06-17. Review status: criteria provided, single submitter. Criteria: LabCorp Variant Classification Summary - May 2015. Collection method: clinical testing. Allele origin: germline.

Labcorp Genetics (formerly Invitae), Labcorp
Classification: Uncertain significance for Alstrom syndrome. Last evaluated: 2022-03-11. Review status: criteria provided, single submitter. Criteria: Invitae Variant Classification Sherloc (09022015). Collection method: clinical testing. Allele origin: germline.
Comment: This sequence change replaces isoleucine, which is neutral and non-polar, with serine, which is neutral and polar, at codon 2337 of the ALMS1 protein (p.Ile2337Ser). This variant is present in population databases (rs746208159, gnomAD 0.002%). This variant has not been reported in the literature in individuals affected with ALMS1-related conditions. Experimental studies and prediction algorithms are not available or were not evaluated, and the functional significance of this variant is currently unknown. In summary, the available evidence is currently insufficient to determine the role of this variant in disease. Therefore, it has been classified as a Variant of Uncertain Significance.